The following is an entry in ClinVar:

NM_004628.5(XPC):c.160G>C (p.Gly54Arg)

Gene: XPC (XPC complex subunit, DNA damage recognition and repair factor; minus strand). Cytogenetic location: 3p25.1.
Variant type: single nucleotide variant.
Coding change: c.160G>C on transcript NM_004628.5 (MANE Select); coding-DNA position 160, G replaced by C.
Protein change: p.Gly54Arg; replaces glycine 54 with arginine.
Molecular consequence: missense variant. On other transcripts: 5 prime UTR variant (1), non-coding transcript variant (2).
Genome position (GRCh38, 1-based): chr3:14,173,006, C>G on the plus strand (G>C on the coding strand, the complement: XPC is on the minus strand). VCF-style: chr3-14173006-C-G. GRCh37 (hg19) VCF-style: chr3-14214506-C-G.
Other names: c.-296G>C (NM_001354726.2); c.160G>C, p.Gly54Arg (NM_001354727.2, NM_001354730.2); c.142G>C, p.Gly48Arg (NM_001354729.2); short protein forms G48R, G54R.
Identifiers: ClinVar variation 1692819 (VCV001692819.1), dbSNP rs1696674854, ClinGen allele CA351543288.
Genomic context (GRCh38, chr3:14,173,006, plus strand): 5'-TCTTTTTTGCTGGACCATCTGCTGAACCCCCAGGATGACTGCAGCCTCTTTTCCTCTTTC[C>G]TTGTGAAACTTTGGAGAGAAGGCTCTTCTTTGGGGGTTTCTCATCTTCAAAGGCATCTAG-3'
Protein context (NP_004619.3, residues 44-64): KKSLLSKVSQ[Gly54Arg]KRKRGCSHPG

ClinVar aggregate classification (germline): Uncertain significance (1 of 4 stars; one submission).

Conditions:
Xeroderma pigmentosum (XP). Identifiers: Orphanet 910, MedGen C0043346, MONDO:0019600.

Submission:

Sema4
Classification: Uncertain significance for Xeroderma pigmentosum. Last evaluated: 2022-01-04. Review status: criteria provided, single submitter. Criteria: Sema4 Curation Guidelines. Collection method: curation. Allele origin: germline.
Comment: The XPC c.160G>C (p.G54R) variant has not been reported in the literature to our knowledge. It was not observed in the large and broad cohorts of the Genome Aggregation Database (PMID: 32461654), nor has it been reported in ClinVar. In silico tools suggest the impact of the variant on protein function is benign, though these predictions have not been confirmed by functional studies. The evidence is insufficient to meet ACMG/AMP criteria for classifying the variant as benign or pathogenic. Thus, the clinical significance of this variant is currently uncertain.